The following is an entry in ClinVar:

ClinVar aggregate classification (germline): Conflicting classifications of pathogenicity. Review status: criteria provided, conflicting classifications (1 of 4 stars). 4 submissions from 4 submitters: Uncertain significance (3); Likely benign (1). Last evaluated 2026-04-21.

Conditions:
CEP290-related disorder. Also called: CEP290-related condition; CEP290-related disorders. Identifiers: MedGen CN239314.
Meckel-Gruber syndrome. Also called: DYSENCEPHALIA SPLANCHNOCYSTICA; GRUBER SYNDROME; Dysencephalia splachnocystica. Identifiers: Orphanet 564, MedGen C0265215, MONDO:0018921.
Nephronophthisis. Also called: Juvenile Nephronophthisis. Identifiers: Orphanet 655, MedGen C0687120, MONDO:0019005, HP:0000090.
Joubert syndrome. Also called: JOUBERT-BOLTSHAUSER SYNDROME; Familial aplasia of the vermis. Identifiers: Orphanet 475, MedGen C5979921, MONDO:0018772.
Inborn genetic diseases. Identifiers: MedGen C0950123, MeSH D030342.

Allele frequency attached by ClinVar (database versions not stated): gnomAD 0.00001; gnomAD exomes 0.00001 and 0.00002; ExAC 0.00002; TOPMed 0.00002.
gnomAD v4.1: 29 of 1,601,600 alleles (0.0018%); highest among the groups gnomAD compares: Non-Finnish European, 0.0025%; no homozygotes.

Submissions (4):

PreventionGenetics, part of Exact Sciences
Classification: Uncertain significance for CEP290-related condition. Last evaluated: 2026-04-21. Review status: criteria provided, single submitter. Criteria: ACMG Guidelines, 2015. Collection method: clinical testing. Allele origin: germline.
Comment: The CEP290 c.2183A>G variant is predicted to result in the amino acid substitution p.Asn728Ser. To our knowledge, this variant has not been reported in the literature. This variant is reported in 0.0032% of alleles in individuals of European (Non-Finnish) descent in gnomAD. At this time, the clinical significance of this variant is uncertain due to the absence of conclusive functional and genetic evidence.

Ambry Genetics
Classification: Uncertain significance for Inborn genetic diseases. Last evaluated: 2025-08-07. Review status: criteria provided, single submitter. Criteria: Ambry Variant Classification Scheme 2023. Collection method: clinical testing. Allele origin: germline.

Labcorp Genetics (formerly Invitae), Labcorp
Classification: Uncertain significance for Joubert syndrome; Meckel-Gruber syndrome; Nephronophthisis. Last evaluated: 2024-12-16. Review status: criteria provided, single submitter. Criteria: Invitae Variant Classification Sherloc (09022015). Collection method: clinical testing. Allele origin: germline.
Comment: This sequence change replaces asparagine, which is neutral and polar, with serine, which is neutral and polar, at codon 728 of the CEP290 protein (p.Asn728Ser). This variant is present in population databases (rs752513342, gnomAD 0.002%). This variant has not been reported in the literature in individuals affected with CEP290-related conditions. ClinVar contains an entry for this variant (Variation ID: 381032). Invitae Evidence Modeling of protein sequence and biophysical properties (such as structural, functional, and spatial information, amino acid conservation, physicochemical variation, residue mobility, and thermodynamic stability) indicates that this missense variant is not expected to disrupt CEP290 protein function with a negative predictive value of 80%. In summary, the available evidence is currently insufficient to determine the role of this variant in disease. Therefore, it has been classified as a Variant of Uncertain Significance.

GeneDx
Classification: Likely benign. Last evaluated: 2015-10-26. Review status: criteria provided, single submitter. Criteria: GeneDx Variant Classification (06012015). Collection method: clinical testing. Allele origin: germline. Affected: yes.
Comment: This variant is considered likely benign or benign based on one or more of the following criteria: it is a conservative change, it occurs at a poorly conserved position in the protein, it is predicted to be benign by multiple in silico algorithms, and/or has population frequency not consistent with disease.

NM_025114.4(CEP290):c.2183A>G (p.Asn728Ser)

Gene: CEP290 (centrosomal protein 290; minus strand). Cytogenetic location: 12q21.32.
Variant type: single nucleotide variant.
Coding change: c.2183A>G on transcript NM_025114.4 (MANE Select); coding-DNA position 2183, A replaced by G.
Protein change: p.Asn728Ser; replaces asparagine 728 with serine.
Molecular consequence: missense variant.
Genome position (GRCh38, 1-based): chr12:88,111,728, T>C on the plus strand (A>G on the coding strand, the complement: CEP290 is on the minus strand). VCF-style: chr12-88111728-T-C. GRCh37 (hg19) VCF-style: chr12-88505505-T-C.
Other names: short protein forms N728S.
Identifiers: ClinVar variation 381032 (VCV000381032.11), dbSNP rs752513342, ClinGen allele CA6712388.
Genomic context (GRCh38, chr12:88,111,728, plus strand): 5'-TTTCTTTTATTTAATAAAATTCTCACCTTTAAATTAGCTTTTGCCAACTGCTGTGAATAA[T>C]TTATAGCCTCTTTCCGAGATTCCCTGAGCTCCTGTCTTAATTCTTCATTTCTTCCGGTAA-3'
Protein context (NP_079390.3, residues 718-738): ELRESRKEAI[Asn728Ser]YSQQLAKANL